The following is an entry in ClinVar:

NM_182493.3(MYLK3):c.2069C>T (p.Ser690Leu)

Gene: MYLK3 (myosin light chain kinase 3; minus strand). Cytogenetic location: 16q11.2.
Variant type: single nucleotide variant.
Coding change: c.2069C>T on transcript NM_182493.3 (MANE Select); coding-DNA position 2069, C replaced by T.
Protein change: p.Ser690Leu; replaces serine 690 with leucine.
Molecular consequence: missense variant.
Genome position (GRCh38, 1-based): chr16:46,712,693, G>A on the plus strand (C>T on the coding strand, the complement: MYLK3 is on the minus strand). VCF-style: chr16-46712693-G-A. GRCh37 (hg19) VCF-style: chr16-46746605-G-A.
Other names: c.1046C>T, p.Ser349Leu (NM_001308301.1); short protein forms S690L, S349L.
Identifiers: ClinVar variation 1953330 (VCV001953330.5), dbSNP rs1424060095, ClinGen allele CA395787831.

ClinVar aggregate classification (germline): Uncertain significance (1 of 4 stars; one submission).

gnomAD v4.1: 2 of 1,596,392 alleles (0.00013%); highest among the groups gnomAD compares: Non-Finnish European, 0.000085%; no homozygotes.

Submission:

Labcorp Genetics (formerly Invitae), Labcorp
Classification: Uncertain significance. Last evaluated: 2025-12-23. Review status: criteria provided, single submitter. Criteria: Invitae Variant Classification Sherloc (09022015). Collection method: clinical testing. Allele origin: germline.
Comment: This sequence change replaces serine, which is neutral and polar, with leucine, which is neutral and non-polar, at codon 690 of the MYLK3 protein (p.Ser690Leu). This variant is present in population databases (no rsID available, gnomAD 0.0009%). This variant has not been reported in the literature in individuals affected with MYLK3-related conditions. ClinVar contains an entry for this variant (Variation ID: 1953330). An algorithm developed to predict the effect of missense changes on protein structure and function (PolyPhen-2) suggests that this variant is likely to be disruptive. In summary, the available evidence is currently insufficient to determine the role of this variant in disease. Therefore, it has been classified as a Variant of Uncertain Significance.